The following is an entry in ClinVar:

ClinVar aggregate classification (germline): Uncertain significance (1 of 4 stars; one submission).

Conditions:
Long QT syndrome (LQTS). Identifiers: MedGen C0023976, MeSH D008133, MONDO:0002442. Disease mechanism: loss of function. Inheritance: Various modes of inheritance.

gnomAD v4.1: 7 of 1,580,460 alleles (0.00044%); highest among the groups gnomAD compares: African/African-American, 0.0027%; no homozygotes.

Submission:

Labcorp Genetics (formerly Invitae), Labcorp
Classification: Uncertain significance for Long QT syndrome. Last evaluated: 2024-07-31. Review status: criteria provided, single submitter. Criteria: Invitae Variant Classification Sherloc (09022015). Collection method: clinical testing. Allele origin: germline.
Comment: This sequence change replaces tryptophan, which is neutral and slightly polar, with serine, which is neutral and polar, at codon 1001 of the KCNH2 protein (p.Trp1001Ser). This variant is not present in population databases (gnomAD no frequency). This variant has not been reported in the literature in individuals affected with KCNH2-related conditions. An algorithm developed to predict the effect of missense changes on protein structure and function (PolyPhen-2) suggests that this variant is likely to be disruptive. In summary, the available evidence is currently insufficient to determine the role of this variant in disease. Therefore, it has been classified as a Variant of Uncertain Significance.

NM_000238.4(KCNH2):c.3002G>C (p.Trp1001Ser)

Gene: KCNH2 (potassium voltage-gated channel subfamily H member 2; minus strand). Cytogenetic location: 7q36.1.
Variant type: single nucleotide variant.
Coding change: c.3002G>C on transcript NM_000238.4 (MANE Select); coding-DNA position 3002, G replaced by C.
Protein change: p.Trp1001Ser; replaces tryptophan 1001 with serine.
Molecular consequence: missense variant. On other transcripts: non-coding transcript variant (2).
Genome position (GRCh38, 1-based): chr7:150,947,478, C>G on the plus strand (G>C on the coding strand, the complement: KCNH2 is on the minus strand). VCF-style: chr7-150947478-C-G. GRCh37 (hg19) VCF-style: chr7-150644566-C-G.
Other names: c.2714G>C, p.Trp905Ser (NM_001406753.1); c.1982G>C, p.Trp661Ser (NM_172057.3); short protein forms W1001S, W661S, W905S.
Identifiers: ClinVar variation 3619921 (VCV003619921.1).